The following is an entry in ClinVar:

ClinVar aggregate classification (germline): Uncertain significance (1 of 4 stars; one submission).

Submission:

Ambry Genetics
Classification: Uncertain significance. Last evaluated: 2024-01-22. Review status: criteria provided, single submitter. Criteria: Ambry Variant Classification Scheme 2023. Collection method: clinical testing. Allele origin: germline.
Comment: The p.A790T variant (also known as c.2368G>A), located in coding exon 22 of the KIF1B gene, results from a G to A substitution at nucleotide position 2368. The alanine at codon 790 is replaced by threonine, an amino acid with similar properties. This amino acid position is conserved. In addition, the in silico prediction for this alteration is inconclusive. Based on the available evidence, the clinical significance of this alteration remains unclear.

NM_001365951.3(KIF1B):c.2506G>A (p.Ala836Thr)

Gene: KIF1B (kinesin family member 1B; plus strand). Cytogenetic location: 1p36.22.
Variant type: single nucleotide variant.
Coding change: c.2506G>A on transcript NM_001365951.3 (MANE Select); coding-DNA position 2506, G replaced by A.
Protein change: p.Ala836Thr; replaces alanine 836 with threonine.
Molecular consequence: missense variant.
Genome position (GRCh38, 1-based): chr1:10,324,031, G>A. VCF-style: chr1-10324031-G-A. GRCh37 (hg19) VCF-style: chr1-10384089-G-A.
Other names: c.2506G>A, p.Ala836Thr (NM_001365952.1); c.2368G>A, p.Ala790Thr (NM_015074.3); short protein forms A790T, A836T.
Identifiers: ClinVar variation 3226395 (VCV003226395.1), dbSNP rs2521623288, ClinGen allele CA338335066.